The following is an entry in ClinVar:

ClinVar aggregate classification (germline): Uncertain significance (1 of 4 stars; one submission).

Submission:

ISCA site 4
Classification: Uncertain significance. Last evaluated: 2011-08-12. Review status: criteria provided, single submitter. Criteria: Kaminsky et al. (Genet Med. 2011). Collection method: clinical testing. Allele origin: unknown. Affected: yes. Observed: 1 variant allele.
Comment: Copy number variation identified through the course of routine clinical cytogenomic testing in postnatal populations. Clinical assertions have been curated as described in Kaminsky et al. 2011.

GRCh38/hg38 2q37.1(chr2:233420162-233761780)x3

Genes: DGKD (diacylglycerol kinase delta; plus strand), DNAJB3 (DnaJ heat shock protein family (Hsp40) member B3; minus strand), UGT1A (UDP glucuronosyltransferase family 1 member A complex locus; plus strand), UGT1A1 (UDP glucuronosyltransferase family 1 member A1; plus strand), UGT1A10 (UDP glucuronosyltransferase family 1 member A10; plus strand) and 13 more. Cytogenetic location: 2q37.1.
Variant type: copy number gain.
Change: copy number 3 (three copies instead of two) of chr2:233,420,162-233,761,780 (341.6 kb, GRCh38 coordinates, 1-based), cytogenetic band 2q37.1.
Identifiers: ClinVar variation 57177 (VCV000057177.1).